The following is an entry in ClinVar:

NM_004782.4(SNAP29):c.*2105T>G

Gene: SNAP29 (synaptosome associated protein 29; plus strand). Cytogenetic location: 22q11.21.
Variant type: single nucleotide variant.
Coding change: c.*2105T>G on transcript NM_004782.4 (MANE Select); 2105 bases downstream of the stop codon, T replaced by G.
Molecular consequence: 3 prime UTR variant.
Genome position (GRCh38, 1-based): chr22:20,889,941, T>G. VCF-style: chr22-20889941-T-G. GRCh37 (hg19) VCF-style: chr22-21244229-T-G.
Identifiers: ClinVar variation 340873 (VCV000340873.6), dbSNP rs5752201, ClinGen allele CA10653241.

ClinVar aggregate classification (germline): Benign. Review status: criteria provided, multiple submitters, no conflicts (2 of 4 stars). 2 submissions from 2 submitters: Benign (2). Last evaluated 2018-01-13.

Conditions:
CEDNIK syndrome. Also called: CEREBRAL DYSGENESIS, NEUROPATHY, ICHTHYOSIS, AND PALMOPLANTAR KERATODERMA SYNDROME; Cerebral dysgenesis, neuropathy, ichthyosis, and palmoplantar keratoderma. Identifiers: Orphanet 66631, MedGen C1836033, MONDO:0012290, OMIM 609528.

Allele frequency attached by ClinVar (database versions not stated): gnomAD exomes 0.06020; TOPMed 0.06808; gnomAD 0.06920 and 0.06932; 1000 Genomes Project 0.07049; 1000 Genomes Project 30x 0.07245.
gnomAD v4.1: 15,191 of 229,974 alleles (6.6%); highest among the groups gnomAD compares: Non-Finnish European, 7.1%; 531 homozygotes.

Submissions (2):

Illumina Laboratory Services, Illumina
Classification: Benign for CEDNIK syndrome. Last evaluated: 2018-01-13. Review status: criteria provided, single submitter. Criteria: ICSL Variant Classification Criteria 13 December 2019. Collection method: clinical testing. Allele origin: germline.
Comment: This variant was observed in the ICSL laboratory as part of a predisposition screen in an ostensibly healthy population. It had not been previously curated by ICSL or reported in the Human Gene Mutation Database (HGMD: prior to June 1st, 2018), and was therefore a candidate for classification through an automated scoring system. Utilizing variant allele frequency, disease prevalence and penetrance estimates, and inheritance mode, an automated score was calculated to assess if this variant is too frequent to cause the disease. Based on the score and internal cut-off values, a variant classified as benign is not then subjected to further curation. The score for this variant resulted in a classification of benign for this disease.

Breakthrough Genomics
Classification: Benign. Review status: criteria provided, single submitter. Criteria: ACMG Guidelines, 2015. Collection method: not provided. Allele origin: germline. Inheritance: Autosomal recessive inheritance. Affected: yes.